The following is an entry in ClinVar:

NM_002480.3(PPP1R12A):c.2151C>T (p.Thr717=)

Gene: PPP1R12A (protein phosphatase 1 regulatory subunit 12A; minus strand). Cytogenetic location: 12q21.2.
Variant type: single nucleotide variant.
Coding change: c.2151C>T on transcript NM_002480.3 (MANE Select); coding-DNA position 2151, C replaced by T.
Protein change: p.Thr717=; no amino-acid change (threonine 717 retained).
Molecular consequence: synonymous variant.
Genome position (GRCh38, 1-based): chr12:79,797,336, G>A on the plus strand (C>T on the coding strand, the complement: PPP1R12A is on the minus strand). VCF-style: chr12-79797336-G-A. GRCh37 (hg19) VCF-style: chr12-80191116-G-A.
Other names: c.2151C>T, p.Thr717= (NM_001143885.2, NM_001244990.2); c.1890C>T, p.Thr630= (NM_001143886.2); c.1983C>T, p.Thr661= (NM_001244992.1).
Identifiers: ClinVar variation 3052896 (VCV003052896.2), dbSNP rs772073499, ClinGen allele CA6699508.
Genomic context (GRCh38, chr12:79,797,336, plus strand): 5'-TTTATCTTGTTTCTCTTTTTCCTCTTTTTCTTTTTCTTCATTTTCTTGTTCTCTGGTTCG[G>A]GTAGAACGACTTCTTCCTATTGTTTTCTCAGCTTCTTGAAGATCAGTTAATGTCACTCCC-3'
Protein context (NP_002471.1, residues 707-727): AEKTIGRSRS[Thr717=]RTREQENEEK

ClinVar aggregate classification (germline): Likely benign (0 of 4 stars; one submission).

Conditions:
PPP1R12A-related disorder. Also called: PPP1R12A-related condition.

Allele frequency attached by ClinVar (database versions not stated): TOPMed below 0.00001; gnomAD 0.00001; ExAC 0.00003.
gnomAD v4.1: 22 of 1,601,556 alleles (0.0014%); highest among the groups gnomAD compares: South Asian, 0.022%; no homozygotes.

Submission:

PreventionGenetics, part of Exact Sciences
Classification: Likely benign for PPP1R12A-related condition. Last evaluated: 2023-09-13. Review status: no assertion criteria provided. Collection method: clinical testing. Allele origin: germline.
Comment: This variant is classified as likely benign based on ACMG/AMP sequence variant interpretation guidelines (Richards et al. 2015 PMID: 25741868, with internal and published modifications).